The following is an entry in ClinVar:

ClinVar aggregate classification (germline): Uncertain significance (1 of 4 stars; one submission).

Conditions:
Hereditary cancer-predisposing syndrome. Also called: Neoplastic Syndromes, Hereditary; Tumor predisposition; Hereditary Cancer Syndrome; Hereditary neoplastic syndrome. Identifiers: Orphanet 140162, MedGen C0027672, MeSH D009386, MONDO:0015356.

Submission:

Ambry Genetics
Classification: Uncertain significance for Hereditary cancer-predisposing syndrome. Last evaluated: 2021-08-15. Review status: criteria provided, single submitter. Criteria: Ambry Variant Classification Scheme 2023. Collection method: clinical testing. Allele origin: germline.
Comment: The p.G425S variant (also known as c.1273G>A), located in coding exon 6 of the BLM gene, results from a G to A substitution at nucleotide position 1273. The glycine at codon 425 is replaced by serine, an amino acid with similar properties. This amino acid position is conserved. In addition, this alteration is predicted to be tolerated by in silico analysis. Since supporting evidence is limited at this time, the clinical significance of this alteration remains unclear.

NM_000057.4(BLM):c.1273G>A (p.Gly425Ser)

Gene: BLM (BLM RecQ like helicase; plus strand). Cytogenetic location: 15q26.1.
Variant type: single nucleotide variant.
Coding change: c.1273G>A on transcript NM_000057.4 (MANE Select); coding-DNA position 1273, G replaced by A.
Protein change: p.Gly425Ser; replaces glycine 425 with serine.
Molecular consequence: missense variant.
Genome position (GRCh38, 1-based): chr15:90,760,646, G>A. VCF-style: chr15-90760646-G-A. GRCh37 (hg19) VCF-style: chr15-91303876-G-A.
Other names: c.1273G>A, p.Gly425Ser (NM_001287246.2, NM_001287247.2); c.148G>A, p.Gly50Ser (NM_001287248.2); short protein forms G425S, G50S.
Identifiers: ClinVar variation 1766042 (VCV001766042.2), dbSNP rs1895947952, ClinGen allele CA393842703.